The following is an entry in ClinVar:

ClinVar aggregate classification (germline): Uncertain significance (1 of 4 stars; one submission).

gnomAD v4.1: 1 of 1,613,508 alleles (0.000062%); highest among the groups gnomAD compares: Non-Finnish European, 0.000085%; no homozygotes.

Submission:

Mayo Clinic Laboratories, Mayo Clinic
Classification: Uncertain significance. Last evaluated: 2023-12-20. Review status: criteria provided, single submitter. Criteria: ACMG Guidelines, 2015. Collection method: clinical testing. Allele origin: germline. Observed: 1 variant allele.
Comment: PP3, PM2

NM_015135.3(NUP205):c.3184C>G (p.Leu1062Val)

Gene: NUP205 (nucleoporin 205; plus strand). Cytogenetic location: 7q33.
Variant type: single nucleotide variant.
Coding change: c.3184C>G on transcript NM_015135.3 (MANE Select); coding-DNA position 3184, C replaced by G.
Protein change: p.Leu1062Val; replaces leucine 1062 with valine.
Molecular consequence: missense variant.
Genome position (GRCh38, 1-based): chr7:135,607,360, C>G. VCF-style: chr7-135607360-C-G. GRCh37 (hg19) VCF-style: chr7-135292108-C-G.
Other names: p.Leu1062Val; c.2110C>G, p.Leu704Val (NM_001329434.2); short protein forms L1062V, L704V.
Identifiers: ClinVar variation 3379792 (VCV003379792.1).